The following is an entry in ClinVar:

ClinVar aggregate classification (germline): Uncertain significance. Review status: criteria provided, multiple submitters, no conflicts (2 of 4 stars). 2 submissions from 2 submitters: Uncertain significance (2). Last evaluated 2022-09-13.

Allele frequency attached by ClinVar (database versions not stated): gnomAD 0.00003; TOPMed 0.00013; 1000 Genomes Project 30x 0.00016; 1000 Genomes Project 0.00020.
gnomAD v4.1: 30 of 1,614,052 alleles (0.0019%); highest among the groups gnomAD compares: African/African-American, 0.017%; no homozygotes.

Submissions (2):

Labcorp Genetics (formerly Invitae), Labcorp
Classification: Uncertain significance. Last evaluated: 2022-09-13. Review status: criteria provided, single submitter. Criteria: Invitae Variant Classification Sherloc (09022015). Collection method: clinical testing. Allele origin: germline.
Comment: This sequence change replaces arginine, which is basic and polar, with tryptophan, which is neutral and slightly polar, at codon 496 of the CAD protein (p.Arg496Trp). This variant is present in population databases (rs200964128, gnomAD 0.01%). This variant has not been reported in the literature in individuals affected with CAD-related conditions. ClinVar contains an entry for this variant (Variation ID: 808713). Advanced modeling of protein sequence and biophysical properties (such as structural, functional, and spatial information, amino acid conservation, physicochemical variation, residue mobility, and thermodynamic stability) has been performed at Invitae for this missense variant, however the output from this modeling did not meet the statistical confidence thresholds required to predict the impact of this variant on CAD protein function. In summary, the available evidence is currently insufficient to determine the role of this variant in disease. Therefore, it has been classified as a Variant of Uncertain Significance.

CeGaT Center for Human Genetics Tuebingen
Classification: Uncertain significance. Last evaluated: 2018-09-01. Review status: criteria provided, single submitter. Criteria: CeGaT Center For Human Genetics Tuebingen Variant Classification Criteria Version 2. Collection method: clinical testing. Allele origin: germline. Affected: yes. Observed: 1 variant allele.

NM_004341.5(CAD):c.1486C>T (p.Arg496Trp)

Gene: CAD (carbamoyl-phosphate synthetase 2, aspartate transcarbamylase, and dihydroorotase; plus strand). Cytogenetic location: 2p23.3.
Variant type: single nucleotide variant.
Coding change: c.1486C>T on transcript NM_004341.5 (MANE Select); coding-DNA position 1486, C replaced by T.
Protein change: p.Arg496Trp; replaces arginine 496 with tryptophan.
Molecular consequence: missense variant.
Genome position (GRCh38, 1-based): chr2:27,225,109, C>T. VCF-style: chr2-27225109-C-T. GRCh37 (hg19) VCF-style: chr2-27447977-C-T.
Other names: c.1486C>T, p.Arg496Trp (NM_001306079.2); short protein forms R496W.
Identifiers: ClinVar variation 808713 (VCV000808713.44), dbSNP rs200964128, ClinGen allele CA1572732.
Genomic context (GRCh38, chr2:27,225,109, plus strand): 5'-TTTGGGGGCCAGACTGCTCTGAACTGTGGTGTGGAGCTGACCAAGGCCGGGGTGCTGGCT[C>T]GGTATGGGGTCCGGGTCCTGGGCACACCAGTGGAGACCATTGAGCTGACCGAGGATCGAC-3'
Protein context (NP_004332.2, residues 486-506): VELTKAGVLA[Arg496Trp]YGVRVLGTPV